The following is an entry in ClinVar:

NM_017636.4(TRPM4):c.1050G>A (p.Gln350=)

Gene: TRPM4 (transient receptor potential cation channel subfamily M member 4; plus strand). Cytogenetic location: 19q13.33.
Variant type: single nucleotide variant.
Coding change: c.1050G>A on transcript NM_017636.4 (MANE Select); coding-DNA position 1050, G replaced by A.
Protein change: p.Gln350=; no amino-acid change (glutamine 350 retained).
Molecular consequence: synonymous variant. On other transcripts: 5 prime UTR variant (1).
Genome position (GRCh38, 1-based): chr19:49,171,769, G>A. VCF-style: chr19-49171769-G-A. GRCh37 (hg19) VCF-style: chr19-49675026-G-A.
Other names: c.1050G>A, p.Gln350= (NM_001195227.2); c.705G>A, p.Gln235= (NM_001321281.2); c.-504G>A (NM_001321282.2); c.528G>A, p.Gln176= (NM_001321283.2); c.201G>A, p.Gln67= (NM_001321285.2).
Identifiers: ClinVar variation 963901 (VCV000963901.12), dbSNP rs542569450, ClinGen allele CA9569046.

ClinVar aggregate classification (germline): Uncertain significance. Review status: criteria provided, multiple submitters, no conflicts (2 of 4 stars). 4 submissions from 4 submitters: Uncertain significance (4). Last evaluated 2026-04-16.

Conditions:
Progressive familial heart block type IB (PFHB1B). Identifiers: Orphanet 871, MedGen C1970298, MONDO:0011474, OMIM 604559.
Erythrokeratodermia variabilis et progressiva 6. Identifiers: MedGen C5193144, MONDO:0032801, OMIM 618531.
Cardiovascular phenotype. Identifiers: MedGen CN230736.

Allele frequency attached by ClinVar (database versions not stated): gnomAD 0.00007; 1000 Genomes Project 0.00020; gnomAD exomes 0.00001; TOPMed 0.00008; 1000 Genomes Project 30x 0.00016; ExAC 0.00001.
gnomAD v4.1: 14 of 1,608,790 alleles (0.00087%); highest among the groups gnomAD compares: African/African-American, 0.016%; no homozygotes.

Submissions (5):

GeneDx
Classification: Uncertain significance. Last evaluated: 2026-04-16. Review status: criteria provided, single submitter. Criteria: GeneDx Variant Classification Process June 2021. Collection method: clinical testing. Allele origin: germline.
Comment: Not observed at significant frequency in large population cohorts (gnomAD); Has not been previously published as pathogenic or benign to our knowledge; In silico analysis is inconclusive as to whether the variant alters gene splicing. In the absence of RNA/functional studies, the actual effect of this sequence change is unknown.

Labcorp Genetics (formerly Invitae), Labcorp
Classification: Uncertain significance for Progressive familial heart block type IB. Last evaluated: 2025-12-09. Review status: criteria provided, single submitter. Criteria: Invitae Variant Classification Sherloc (09022015). Collection method: clinical testing. Allele origin: germline.
Comment: This sequence change affects codon 350 of the TRPM4 mRNA. It is a 'silent' change, meaning that it does not change the encoded amino acid sequence of the TRPM4 protein. This variant also falls at the last nucleotide of exon 8, which is part of the consensus splice site for this exon. This variant is present in population databases (rs542569450, gnomAD 0.02%). This variant has not been reported in the literature in individuals affected with TRPM4-related conditions. ClinVar contains an entry for this variant (Variation ID: 963901). Variants that disrupt the consensus splice site are a relatively common cause of aberrant splicing (PMID: 17576681, 9536098). Algorithms developed to predict the effect of sequence changes on RNA splicing suggest that this variant may disrupt the consensus splice site. In summary, the available evidence is currently insufficient to determine the role of this variant in disease. Therefore, it has been classified as a Variant of Uncertain Significance.

Ambry Genetics
Classification: Uncertain significance for Cardiovascular phenotype. Last evaluated: 2022-02-24. Review status: criteria provided, single submitter. Criteria: Ambry Variant Classification Scheme 2023. Collection method: clinical testing. Allele origin: germline.
Comment: The c.1050G>A (p.Q350Q) alteration is located in exon 8 (coding exon 8) of the TRPM4 gene. This alteration consists of a G to A substitution at nucleotide position 1050. This nucleotide substitution does not change the amino acid at codon 350. However, this change occurs in the last nucleotide of Exon 8 (c.859_1050) which makes it likely to have some effect on normal mRNA splicing. Based on insufficient or conflicting evidence, the clinical significance of this alteration remains unclear.

Fulgent Genetics
Classification: Uncertain significance for Progressive familial heart block type IB; Erythrokeratodermia variabilis et progressiva 6. Last evaluated: 2021-08-30. Review status: criteria provided, single submitter. Criteria: ACMG Guidelines, 2015. Collection method: clinical testing. Allele origin: unknown.

Dr. Peter K. Rogan Lab, Western University
No classification provided (evidence only). Condition: Malignant tumor of esophagus. Review status: no classification provided. Collection method: in vitro. Allele origin: not applicable. Functional consequence: retained intron. Not counted in ClinVar's aggregate classification.

Literature cited by the submitters: PubMed 17576681 (cited by Labcorp Genetics (formerly Invitae), Labcorp); PubMed 9536098 (cited by Labcorp Genetics (formerly Invitae), Labcorp).